The following is an entry in ClinVar:

ClinVar aggregate classification (germline): Uncertain significance (1 of 4 stars; one submission).

Allele frequency attached by ClinVar (database versions not stated): ExAC 0.00001; gnomAD exomes 0.00001.

Submission:

Ambry Genetics
Classification: Uncertain significance. Last evaluated: 2023-09-13. Review status: criteria provided, single submitter. Criteria: Ambry Variant Classification Scheme 2023. Collection method: clinical testing. Allele origin: germline.
Comment: The p.S1436C variant (also known as c.4307C>G), located in coding exon 16 of the POLQ gene, results from a C to G substitution at nucleotide position 4307. The serine at codon 1436 is replaced by cysteine, an amino acid with dissimilar properties. This amino acid position is conserved. In addition, the in silico prediction for this alteration is inconclusive. Since supporting evidence is limited at this time, the clinical significance of this alteration remains unclear.

NM_199420.4(POLQ):c.4307C>G (p.Ser1436Cys)

Gene: POLQ (DNA polymerase theta; minus strand). Cytogenetic location: 3q13.33.
Variant type: single nucleotide variant.
Coding change: c.4307C>G on transcript NM_199420.4 (MANE Select); coding-DNA position 4307, C replaced by G.
Protein change: p.Ser1436Cys; replaces serine 1436 with cysteine.
Molecular consequence: missense variant.
Genome position (GRCh38, 1-based): chr3:121,488,624, G>C on the plus strand (C>G on the coding strand, the complement: POLQ is on the minus strand). VCF-style: chr3-121488624-G-C. GRCh37 (hg19) VCF-style: chr3-121207471-G-C.
Other names: short protein forms S1436C.
Identifiers: ClinVar variation 1739590 (VCV001739590.3), dbSNP rs772128607, ClinGen allele CA2562916.